The following is an entry in ClinVar:

NM_020937.4(FANCM):c.1846A>G (p.Arg616Gly)

Gene: FANCM (FA complementation group M; plus strand). Cytogenetic location: 14q21.2.
Variant type: single nucleotide variant.
Coding change: c.1846A>G on transcript NM_020937.4 (MANE Select); coding-DNA position 1846, A replaced by G.
Protein change: p.Arg616Gly; replaces arginine 616 with glycine.
Molecular consequence: missense variant.
Genome position (GRCh38, 1-based): chr14:45,167,007, A>G. VCF-style: chr14-45167007-A-G. GRCh37 (hg19) VCF-style: chr14-45636210-A-G.
Other names: c.1768A>G, p.Arg590Gly (NM_001308133.2); c.1846A>G, p.Arg616Gly (NM_001308134.2); c.1846A>G (NM_020937.3); short protein forms R590G, R616G.
Identifiers: ClinVar variation 1037325 (VCV001037325.8), dbSNP rs763557682, ClinGen allele CA7169170.

ClinVar aggregate classification (germline): Uncertain significance. Review status: criteria provided, multiple submitters, no conflicts (2 of 4 stars). 3 submissions from 3 submitters: Uncertain significance (3). Last evaluated 2024-09-11.

Conditions:
Fanconi anemia (FA). Also called: Fanconi's anemia. Identifiers: Orphanet 84, MedGen C0015625, MeSH D005199, MONDO:0019391.
Spermatogenic failure 28. Identifiers: MedGen C4748117, MONDO:0054732, OMIM 618086.
Premature ovarian failure 15. Identifiers: MedGen C4748170, MONDO:0054862, OMIM 618096.

Allele frequency attached by ClinVar (database versions not stated): gnomAD 0.00001; gnomAD exomes 0.00001 and 0.00002; ExAC 0.00002; TOPMed 0.00002.
gnomAD v4.1: 23 of 1,610,452 alleles (0.0014%); highest among the groups gnomAD compares: Non-Finnish European, 0.0019%; no homozygotes.

Submissions (3):

Quest Diagnostics Nichols Institute San Juan Capistrano
Classification: Uncertain significance. Last evaluated: 2024-09-11. Review status: criteria provided, single submitter. Criteria: Quest Diagnostics criteria. Collection method: clinical testing. Allele origin: unknown.
Comment: The FANCM c.1846A>G (p.Arg616Gly) variant has been reported in the published literature in individuals with breast cancer (PMID: 33471991 (2021), see also LOVD) and ovarian cancer (PMID: 28881617 (2017)). The frequency of this variant in the general population, 0.000035 (4/113582 chromosomes (Genome Aggregation Database)), is uninformative in the assessment of its pathogenicity. Analysis of this variant using bioinformatics tools for the prediction of the effect of amino acid changes on protein structure and function yielded predictions that this variant is benign. Based on the available information, we are unable to determine the clinical significance of this variant.

Labcorp Genetics (formerly Invitae), Labcorp
Classification: Uncertain significance for Fanconi anemia. Last evaluated: 2023-09-17. Review status: criteria provided, single submitter. Criteria: Invitae Variant Classification Sherloc (09022015). Collection method: clinical testing. Allele origin: germline.
Comment: ClinVar contains an entry for this variant (Variation ID: 1037325). This sequence change replaces arginine, which is basic and polar, with glycine, which is neutral and non-polar, at codon 616 of the FANCM protein (p.Arg616Gly). This variant is present in population databases (rs763557682, gnomAD 0.004%). This variant has not been reported in the literature in individuals affected with FANCM-related conditions. An algorithm developed to predict the effect of missense changes on protein structure and function (PolyPhen-2) suggests that this variant is likely to be tolerated. In summary, the available evidence is currently insufficient to determine the role of this variant in disease. Therefore, it has been classified as a Variant of Uncertain Significance.

Fulgent Genetics
Classification: Uncertain significance for Spermatogenic failure 28; Premature ovarian failure 15. Last evaluated: 2021-08-11. Review status: criteria provided, single submitter. Criteria: ACMG Guidelines, 2015. Collection method: clinical testing. Allele origin: unknown.

Literature cited by the submitters: PubMed 33471991 (cited by Quest Diagnostics Nichols Institute San Juan Capistrano); PubMed 28881617 (cited by Quest Diagnostics Nichols Institute San Juan Capistrano).